The following is an entry in ClinVar:

NM_182931.3(KMT2E):c.357del (p.Arg120fs)

Gene: KMT2E (lysine methyltransferase 2E (inactive); plus strand). Cytogenetic location: 7q22.3.
Variant type: Deletion.
Coding change: c.357del on transcript NM_182931.3 (MANE Select); coding-DNA position 357, one base deleted (C; older notation c.357delC).
Protein change: p.Arg120fs; shifts the reading frame from arginine 120.
Molecular consequence: frameshift variant.
Genome position (GRCh38, 1-based): chr7:105,063,521, C deleted; the last of 2 consecutive C bases (chr7:105,063,520-105,063,521); deleting either gives the same sequence. VCF-style (leftmost placement, unchanged base first): chr7-105063519-AC-A. GRCh37 (hg19) VCF-style: chr7-104703966-AC-A.
Other names: c.357del, p.Arg120fs (NM_001410908.1, NM_018682.4); short protein forms R120fs.
Identifiers: ClinVar variation 3640137 (VCV003640137.2).
Genomic context (GRCh38, chr7:105,063,519, plus strand): 5'-GAAACTTCCAGTGCTACTACAATCAGCACATCTGAGGATGGAAGTTATGGTACTGATGTA[AC>A]CAGGTGCATATGTGGTTTTACACATGATGATGGATACATGATCTGTTGTGACAAATGCAG-3'

ClinVar aggregate classification (germline): Pathogenic (1 of 4 stars; one submission).

Submission:

Labcorp Genetics (formerly Invitae), Labcorp
Classification: Pathogenic. Last evaluated: 2024-02-11. Review status: criteria provided, single submitter. Criteria: Invitae Variant Classification Sherloc (09022015). Collection method: clinical testing. Allele origin: germline.
Comment: This sequence change creates a premature translational stop signal (p.Arg120Glyfs*13) in the KMT2E gene. It is expected to result in an absent or disrupted protein product. Loss-of-function variants in KMT2E are known to be pathogenic (PMID: 31079897). This variant is not present in population databases (gnomAD no frequency). This variant has not been reported in the literature in individuals affected with KMT2E-related conditions. For these reasons, this variant has been classified as Pathogenic.

Literature cited by the submitters: PubMed 31079897.